The following is an entry in ClinVar:

ClinVar aggregate classification (germline): Uncertain significance. Review status: criteria provided, multiple submitters, no conflicts (2 of 4 stars). 2 submissions from 2 submitters: Uncertain significance (2). Last evaluated 2026-01-04.

Conditions:
Idiopathic generalized epilepsy. Also called: Generalised epilepsy; EIG. Identifiers: MedGen C0270850, MONDO:0005579, OMIM 600669.
Hyperaldosteronism, familial, type IV (HALD4). Also called: FH IV; ALDOSTERONISM, PRIMARY, AND HYPERTENSION. Identifiers: Orphanet 642671, MedGen C4310756, MONDO:0014875, OMIM 617027.
Epilepsy, childhood absence, susceptibility to, 6. Identifiers: Orphanet 64280, MedGen C2749872, MONDO:0012763, OMIM 611942.

Allele frequency attached by ClinVar (database versions not stated): ExAC 0.00007.
gnomAD v4.1: 55 of 1,549,752 alleles (0.0035%); highest among the groups gnomAD compares: Non-Finnish European, 0.0044%; no homozygotes.

Submissions (2):

Labcorp Genetics (formerly Invitae), Labcorp
Classification: Uncertain significance for Idiopathic generalized epilepsy; Hyperaldosteronism, familial, type IV. Last evaluated: 2026-01-04. Review status: criteria provided, single submitter. Criteria: Invitae Variant Classification Sherloc (09022015). Collection method: clinical testing. Allele origin: germline.
Comment: This sequence change replaces glycine, which is neutral and non-polar, with arginine, which is basic and polar, at codon 644 of the CACNA1H protein (p.Gly644Arg). The frequency data for this variant in the population databases is considered unreliable, as metrics indicate poor data quality at this position in the gnomAD database. This variant has not been reported in the literature in individuals affected with CACNA1H-related conditions. ClinVar contains an entry for this variant (Variation ID: 1424493). Invitae Evidence Modeling of protein sequence and biophysical properties (such as structural, functional, and spatial information, amino acid conservation, physicochemical variation, residue mobility, and thermodynamic stability) indicates that this missense variant is not expected to disrupt CACNA1H protein function with a negative predictive value of 80%. In summary, the available evidence is currently insufficient to determine the role of this variant in disease. Therefore, it has been classified as a Variant of Uncertain Significance.

Fulgent Genetics
Classification: Uncertain significance for Epilepsy, childhood absence, susceptibility to, 6; Hyperaldosteronism, familial, type IV. Last evaluated: 2022-02-01. Review status: criteria provided, single submitter. Criteria: ACMG Guidelines, 2015. Collection method: clinical testing. Allele origin: unknown.

NM_021098.3(CACNA1H):c.1930G>A (p.Gly644Arg)

Gene: CACNA1H (calcium voltage-gated channel subunit alpha1 H; plus strand). Cytogenetic location: 16p13.3.
Variant type: single nucleotide variant.
Coding change: c.1930G>A on transcript NM_021098.3 (MANE Select); coding-DNA position 1930, G replaced by A.
Protein change: p.Gly644Arg; replaces glycine 644 with arginine.
Molecular consequence: missense variant.
Genome position (GRCh38, 1-based): chr16:1,202,380, G>A. VCF-style: chr16-1202380-G-A. GRCh37 (hg19) VCF-style: chr16-1252380-G-A.
Other names: c.1930G>A, p.Gly644Arg (NM_001005407.2); short protein forms G644R.
Identifiers: ClinVar variation 1424493 (VCV001424493.7), dbSNP rs761227158, ClinGen allele CA7800050.